The following is an entry in ClinVar:

NM_000083.3(CLCN1):c.1236A>G (p.Gln412=)

Gene: CLCN1 (chloride voltage-gated channel 1; plus strand). Cytogenetic location: 7q34.
Variant type: single nucleotide variant.
Coding change: c.1236A>G on transcript NM_000083.3 (MANE Select); coding-DNA position 1236, A replaced by G.
Protein change: p.Gln412=; no amino-acid change (glutamine 412 retained).
Molecular consequence: synonymous variant. On other transcripts: non-coding transcript variant (1).
Genome position (GRCh38, 1-based): chr7:143,332,488, A>G. VCF-style: chr7-143332488-A-G. GRCh37 (hg19) VCF-style: chr7-143029581-A-G.
Identifiers: ClinVar variation 1140656 (VCV001140656.13), dbSNP rs2116854694, ClinGen allele CA458281455.

ClinVar aggregate classification (germline): Conflicting classifications of pathogenicity. Review status: criteria provided, conflicting classifications (1 of 4 stars). 3 submissions from 3 submitters: Uncertain significance (2); Likely benign (1). Last evaluated 2026-05-01.

Conditions:
Skeletal muscle channelopathy.
Congenital myotonia, autosomal recessive form. Also called: BECKER DISEASE; Becker Generalized Myotonia; myotonia congenita, autosomal recessive. Identifiers: Orphanet 614, MedGen C0751360, MONDO:0009715, OMIM 255700.
Congenital myotonia, autosomal dominant form (THD). Also called: THOMSEN DISEASE; Myotonia congenita autosomal dominant. Identifiers: Orphanet 614, MedGen C2936781, MONDO:0008055, OMIM 160800.

gnomAD v4.1: 3 of 1,613,932 alleles (0.00019%); highest among the groups gnomAD compares: Admixed American, 0.0017%; no homozygotes.

Submissions (3):

Genetics Laboratory, Great Ormond Street Hospital NHS Foundation Trust, North Thames Genomic Laboratory Hub
Classification: Uncertain significance for Skeletal muscle channelopathy. Last evaluated: 2026-05-01. Review status: criteria provided, single submitter. Criteria: ACGS Best Practice Guidelines for Variant Classification in Rare Disease 2024 v1.2. Collection method: clinical testing. Allele origin: germline. Affected: yes.
Comment: PM2_moderate, PP3_supporting, PM3_moderate

Labcorp Genetics (formerly Invitae), Labcorp
Classification: Likely benign for Congenital myotonia, autosomal recessive form; Congenital myotonia, autosomal dominant form. Last evaluated: 2024-10-23. Review status: criteria provided, single submitter. Criteria: Invitae Variant Classification Sherloc (09022015). Collection method: clinical testing. Allele origin: germline.

GeneDx
Classification: Uncertain significance. Last evaluated: 2022-01-20. Review status: criteria provided, single submitter. Criteria: GeneDx Variant Classification Process June 2021. Collection method: clinical testing. Allele origin: germline. Affected: yes.
Comment: Not observed at significant frequency in large population cohorts (gnomAD); Has not been previously published as pathogenic or benign to our knowledge; In silico analysis, which includes splice predictors and evolutionary conservation, suggests this variant may impact gene splicing. In the absence of RNA/functional studies, the actual effect of this sequence change is unknown.